The following is an entry in ClinVar:

ClinVar aggregate classification (germline): Benign/Likely benign. Review status: criteria provided, multiple submitters, no conflicts (2 of 4 stars). 6 submissions from 6 submitters: Benign (2); Likely benign (3). 1 of the submissions does not count toward it. Last evaluated 2026-01-28.

Conditions:
ASNS-related disorder. Also called: ASNS-related condition.

Allele frequency attached by ClinVar (database versions not stated): gnomAD exomes 0.00022 and 0.00065; ExAC 0.00082; gnomAD 0.00249 and 0.00262; TOPMed 0.00268; 1000 Genomes Project 0.00280; 1000 Genomes Project 30x 0.00281; ESP Exome Variant Server 0.00346.
gnomAD v4.1: 707 of 1,614,170 alleles (0.044%); highest among the groups gnomAD compares: African/African-American, 0.86%; 6 homozygotes.

Submissions (6):

Labcorp Genetics (formerly Invitae), Labcorp
Classification: Benign. Last evaluated: 2026-01-28. Review status: criteria provided, single submitter. Criteria: Invitae Variant Classification Sherloc (09022015). Collection method: clinical testing. Allele origin: germline.

Mayo Clinic Laboratories, Mayo Clinic
Classification: Benign. Last evaluated: 2024-11-26. Review status: criteria provided, single submitter. Criteria: ACMG Guidelines, 2015. Collection method: clinical testing. Allele origin: germline. Observed: 2 variant alleles.
Comment: BS1, BS2, BP4, BP7

Blueprint Genetics
Classification: Likely benign. Last evaluated: 2024-07-19. Review status: criteria provided, single submitter. Criteria: ACMG Guidelines, 2015. Collection method: clinical testing. Allele origin: germline.

GeneDx
Classification: Likely benign. Last evaluated: 2021-02-01. Review status: criteria provided, single submitter. Criteria: GeneDx Variant Classification Process June 2021. Collection method: clinical testing. Allele origin: germline. Affected: yes.

Genetic Services Laboratory, University of Chicago
Classification: Likely benign. Last evaluated: 2016-12-01. Review status: criteria provided, single submitter. Criteria: ACMG Guidelines, 2015. Collection method: clinical testing. Allele origin: germline. Affected: no.

PreventionGenetics, part of Exact Sciences
Classification: Benign for ASNS-related condition. Last evaluated: 2024-03-27. Review status: no assertion criteria provided. Collection method: clinical testing. Allele origin: germline. Not counted in ClinVar's aggregate classification.
Comment: This variant is classified as benign based on ACMG/AMP sequence variant interpretation guidelines (Richards et al. 2015 PMID: 25741868, with internal and published modifications).

NM_001673.5(ASNS):c.144C>T (p.His48=)

Genes: ASNS (asparagine synthetase (glutamine-hydrolyzing); minus strand), CZ1P-ASNS (CZ1P-ASNS readthrough; minus strand). Cytogenetic location: 7q21.3.
Variant type: single nucleotide variant.
Coding change: c.144C>T on transcript NM_001673.5 (MANE Select); coding-DNA position 144, C replaced by T.
Protein change: p.His48=; no amino-acid change (histidine 48 retained).
Molecular consequence: synonymous variant. On other transcripts: non-coding transcript variant (1), intron variant (2).
Genome position (GRCh38, 1-based): chr7:97,869,013, G>A on the plus strand (C>T on the coding strand, the complement: ASNS is on the minus strand). VCF-style: chr7-97869013-G-A. GRCh37 (hg19) VCF-style: chr7-97498325-G-A.
Other names: p.His48=; c.144C>T, p.His48= (NM_133436.3, NM_001352496.2, NM_183356.4); c.81C>T, p.His27= (NM_001178075.2); c.-1+3338C>T (NM_001178076.2); c.-1+3028C>T (NM_001178077.1).
Identifiers: ClinVar variation 434400 (VCV000434400.21), dbSNP rs11554431, ClinGen allele CA4354843.